The following is an entry in ClinVar:

ClinVar aggregate classification (germline): Benign/Likely benign. Review status: criteria provided, multiple submitters, no conflicts (2 of 4 stars). 4 submissions from 4 submitters: Benign (1); Likely benign (3). Last evaluated 2026-09-13.

Conditions:
STXBP2-related disorder. Also called: STXBP2-related condition.
Familial hemophagocytic lymphohistiocytosis 5. Also called: STXBP2-Related Familial Hemophagocytic Lymphohistiocytosis (STXBP2-fHLH). Identifiers: Orphanet 540, MedGen C2751293, MONDO:0013135, OMIM 613101.

Allele frequency attached by ClinVar (database versions not stated): gnomAD exomes 0.00003; TOPMed 0.00003; gnomAD 0.00006.
gnomAD v4.1: 53 of 1,611,338 alleles (0.0033%); highest among the groups gnomAD compares: Middle Eastern, 0.037%; no homozygotes.

Submissions (4):

PreventionGenetics, part of Exact Sciences
Classification: Likely benign for STXBP2-related condition. Last evaluated: 2026-09-13. Review status: criteria provided, single submitter. Criteria: ACMG Guidelines, 2015. Collection method: clinical testing. Allele origin: germline.
Comment: This variant is classified as likely benign based on ACMG/AMP sequence variant interpretation guidelines (Richards et al. 2015 PMID: 25741868, with internal and published modifications).

Labcorp Genetics (formerly Invitae), Labcorp
Classification: Likely benign for Familial hemophagocytic lymphohistiocytosis 5. Last evaluated: 2026-01-28. Review status: criteria provided, single submitter. Criteria: Invitae Variant Classification Sherloc (09022015). Collection method: clinical testing. Allele origin: germline.

Laboratory of Genetics, Children's Clinical University Hospital Latvia
Classification: Benign. Last evaluated: 2025-02-16. Review status: criteria provided, single submitter. Criteria: ACMG Guidelines, 2015. Collection method: clinical testing. Allele origin: germline. Affected: yes.

Blueprint Genetics
Classification: Likely benign. Last evaluated: 2024-11-22. Review status: criteria provided, single submitter. Criteria: ACMG Guidelines, 2015. Collection method: clinical testing. Allele origin: germline.

NM_006949.4(STXBP2):c.1453-5G>A

Gene: STXBP2 (syntaxin binding protein 2; plus strand). Cytogenetic location: 19p13.2.
Variant type: single nucleotide variant.
Coding change: c.1453-5G>A on transcript NM_006949.4 (MANE Select); 5 bases into the intron before coding-DNA position 1453, G replaced by A.
Molecular consequence: intron variant.
Genome position (GRCh38, 1-based): chr19:7,647,157, G>A. VCF-style: chr19-7647157-G-A. GRCh37 (hg19) VCF-style: chr19-7712043-G-A.
Other names: c.1486-5G>A (NM_001272034.2); c.1444-5G>A (NM_001127396.3).
Identifiers: ClinVar variation 794280 (VCV000794280.14), dbSNP rs113332946, ClinGen allele CA304912298.